The following is an entry in ClinVar:

ClinVar aggregate classification (germline): Uncertain significance (1 of 4 stars; one submission).

Conditions:
Hereditary cancer-predisposing syndrome. Also called: Neoplastic Syndromes, Hereditary; Tumor predisposition; Hereditary Cancer Syndrome; Hereditary neoplastic syndrome. Identifiers: Orphanet 140162, MedGen C0027672, MeSH D009386, MONDO:0015356.

gnomAD v4.1: 1 of 1,613,978 alleles (0.000062%); highest among the groups gnomAD compares: Non-Finnish European, 0.000085%; no homozygotes.

Submission:

Ambry Genetics
Classification: Uncertain significance for Hereditary cancer-predisposing syndrome. Last evaluated: 2025-09-22. Review status: criteria provided, single submitter. Criteria: Ambry Variant Classification Scheme 2023. Collection method: clinical testing. Allele origin: germline.
Comment: The p.S1163R variant (also known as c.3489C>G), located in coding exon 15 of the APC gene, results from a C to G substitution at nucleotide position 3489. The serine at codon 1163 is replaced by arginine, an amino acid with dissimilar properties. This amino acid position is conserved. In addition, in silico predictors for this gene do not accurately predict pathogenicity. Based on the available evidence, the clinical significance of this variant remains unclear.

NM_000038.6(APC):c.3489C>G (p.Ser1163Arg)

Gene: APC (APC regulator of Wnt signaling pathway; plus strand). Cytogenetic location: 5q22.2.
Variant type: single nucleotide variant.
Coding change: c.3489C>G on transcript NM_000038.6 (MANE Select); coding-DNA position 3489, C replaced by G.
Protein change: p.Ser1163Arg; replaces serine 1163 with arginine.
Molecular consequence: missense variant. On other transcripts: non-coding transcript variant (2).
Genome position (GRCh38, 1-based): chr5:112,839,083, C>G. VCF-style: chr5-112839083-C-G. GRCh37 (hg19) VCF-style: chr5-112174780-C-G.
Other names: c.3489C>G, p.Ser1163Arg (NM_001127510.3, NM_001354895.2, NM_001407450.1); c.3435C>G, p.Ser1145Arg (NM_001127511.3); c.3543C>G, p.Ser1181Arg (NM_001354896.2, NM_001407447.1, NM_001407448.1 and 1 more transcripts); c.3519C>G, p.Ser1173Arg (NM_001354897.2); c.3414C>G, p.Ser1138Arg (NM_001354898.2); c.3405C>G, p.Ser1135Arg (NM_001354899.2); c.3366C>G, p.Ser1122Arg (NM_001354900.2); c.3312C>G, p.Ser1104Arg (NM_001354901.2, NM_001407453.1); and 11 more; short protein forms S1080R, S1037R, S1072R, S1135R, S1138R, S1145R, S1153R, S1156R.
Identifiers: ClinVar variation 4578007 (VCV004578007.1).